The following is an entry in ClinVar:

NM_000512.5(GALNS):c.611A>C (p.Asn204Thr)

Gene: GALNS (galactosamine (N-acetyl)-6-sulfatase; minus strand). Cytogenetic location: 16q24.3.
Variant type: single nucleotide variant.
Coding change: c.611A>C on transcript NM_000512.5 (MANE Select); coding-DNA position 611, A replaced by C.
Protein change: p.Asn204Thr; replaces asparagine 204 with threonine.
Molecular consequence: missense variant.
Genome position (GRCh38, 1-based): chr16:88,836,223, T>G on the plus strand (A>C on the coding strand, the complement: GALNS is on the minus strand). VCF-style: chr16-88836223-T-G. GRCh37 (hg19) VCF-style: chr16-88902631-T-G.
Other names: c.56A>C, p.Asn19Thr (NM_001323543.2); c.629A>C, p.Asn210Thr (NM_001323544.2); short protein forms N19T, N204T, N210T.
Identifiers: ClinVar variation 1048418 (VCV001048418.5), dbSNP rs569725936, ClinGen allele CA8235077.
Genomic context (GRCh38, chr16:88,836,223, plus strand): 5'-TGCGTCCCACAGGGCGAGGATGGTGCGGTCCCCATCACCTGCAGGTAGATCTGGGTGAGG[T>G]TGGCTTCCCCCGTCTTCAGATTAATAGGAAATTCTTCATAATATCTGAAAAGAACACAGA-3'
Protein context (NP_000503.1, residues 194-214): FPINLKTGEA[Asn204Thr]LTQIYLQEAL

ClinVar aggregate classification (germline): Pathogenic/Likely pathogenic. Review status: criteria provided, multiple submitters, no conflicts (2 of 4 stars). 2 submissions from 2 submitters: Pathogenic (1); Likely pathogenic (1). Last evaluated 2024-02-25.

Conditions:
Mucopolysaccharidosis, MPS-IV-A (MPS4A). Also called: Mucopolysaccharidosis type IV A; Mucopolysaccharidosis Type IVA; Morquio syndrome A, mild; MORQUIO SYNDROME A; MPS IVA; mucopolysaccharidosis type 4A. Identifiers: Orphanet 309297, Orphanet 582, MedGen C0086651, MONDO:0009659, OMIM 253000.

Allele frequency attached by ClinVar (database versions not stated): 1000 Genomes Project 0.00020; 1000 Genomes Project 30x 0.00062.
gnomAD v4.1: 6 of 1,613,594 alleles (0.00037%); highest among the groups gnomAD compares: African/African-American, 0.008%; no homozygotes.

Submissions (2):

Labcorp Genetics (formerly Invitae), Labcorp
Classification: Pathogenic for Mucopolysaccharidosis, MPS-IV-A. Last evaluated: 2024-02-25. Review status: criteria provided, single submitter. Criteria: Invitae Variant Classification Sherloc (09022015). Collection method: clinical testing. Allele origin: germline.
Comment: This sequence change replaces asparagine, which is neutral and polar, with threonine, which is neutral and polar, at codon 204 of the GALNS protein (p.Asn204Thr). This variant is present in population databases (rs569725936, gnomAD 0.02%). This missense change has been observed in individual(s) with mucopolysaccharidosis type IVA (PMID: 25252036, 26147980). ClinVar contains an entry for this variant (Variation ID: 1048418). Advanced modeling of protein sequence and biophysical properties (such as structural, functional, and spatial information, amino acid conservation, physicochemical variation, residue mobility, and thermodynamic stability) performed at Invitae indicates that this missense variant is expected to disrupt GALNS protein function with a positive predictive value of 95%. This variant disrupts the p.Asn204 amino acid residue in GALNS. Other variant(s) that disrupt this residue have been determined to be pathogenic (PMID: 33256811; Invitae). This suggests that this residue is clinically significant, and that variants that disrupt this residue are likely to be disease-causing. For these reasons, this variant has been classified as Pathogenic.

Laboratory of Diagnosis and Therapy of Lysosomal Disorders, University of Padova
Classification: Likely pathogenic for Mucopolysaccharidosis, MPS-IV-A. Last evaluated: 2021-02-01. Review status: criteria provided, single submitter. Criteria: ACMG Guidelines, 2015. Collection method: curation. Allele origin: germline. Affected: yes.
Comment: In vivo functional studies supportive of a damaging effect on the gene product (low to null enzymatic activity in homozygotes; PS3_supporting); the prevalence of the variant in affected individuals is significantly increased compared with the prevalence in controls (PS4_strong); very low frequency in gnomAD v2.1.1 (PM2_moderate); multiple lines of computational evidence support a deleterious effect on the gene (PP3_supporting)

Literature cited by the submitters: PubMed 25252036 (cited by Labcorp Genetics (formerly Invitae), Labcorp and Laboratory of Diagnosis and Therapy of Lysosomal Disorders, University of Padova); PubMed 26147980 (cited by Labcorp Genetics (formerly Invitae), Labcorp and Laboratory of Diagnosis and Therapy of Lysosomal Disorders, University of Padova); PubMed 33256811 (cited by Labcorp Genetics (formerly Invitae), Labcorp); PubMed 34387910 (cited by Laboratory of Diagnosis and Therapy of Lysosomal Disorders, University of Padova).